The following is an entry in ClinVar:

NM_000455.5(STK11):c.990C>A (p.Asp330Glu)

Genes: STK11 (serine/threonine kinase 11; plus strand), LOC130062899 (ATAC-STARR-seq lymphoblastoid active region 13597; plus strand). Cytogenetic location: 19p13.3.
Variant type: single nucleotide variant.
Coding change: c.990C>A on transcript NM_000455.5 (MANE Select); coding-DNA position 990, C replaced by A.
Protein change: p.Asp330Glu; replaces aspartic acid 330 with glutamic acid.
Molecular consequence: missense variant.
Genome position (GRCh38, 1-based): chr19:1,223,054, C>A. VCF-style: chr19-1223054-C-A. GRCh37 (hg19) VCF-style: chr19-1223053-C-A.
Other names: short protein forms D330E.
Identifiers: ClinVar variation 823548 (VCV000823548.4), dbSNP rs786201811, ClinGen allele CA402951635.

ClinVar aggregate classification (germline): Uncertain significance (1 of 4 stars; one submission).

Conditions:
Hereditary cancer-predisposing syndrome. Also called: Neoplastic Syndromes, Hereditary; Tumor predisposition; Hereditary neoplastic syndrome; Hereditary Cancer Syndrome. Identifiers: Orphanet 140162, MedGen C0027672, MeSH D009386, MONDO:0015356.

Submission:

Ambry Genetics
Classification: Uncertain significance for Hereditary cancer-predisposing syndrome. Last evaluated: 2019-10-30. Review status: criteria provided, single submitter. Criteria: Ambry Variant Classification Scheme 2023. Collection method: clinical testing. Allele origin: germline.
Comment: The p.D330E variant (also known as c.990C>A), located in coding exon 8 of the STK11 gene, results from a C to A substitution at nucleotide position 990. The aspartic acid at codon 330 is replaced by glutamic acid, an amino acid with highly similar properties. This amino acid position is highly conserved in available vertebrate species. In addition, the in silico prediction for this alteration is inconclusive. Since supporting evidence is limited at this time, the clinical significance of this alteration remains unclear.